The following continues an entry in ClinVar:

NM_000059.4(BRCA2):c.2957_2958insG (p.Asn986fs)

Gene: BRCA2. ClinVar aggregate classification (germline): Pathogenic. Pathogenic (1).

Submissions 12 to 15 of 15:

Counsyl
Classification: Pathogenic for Breast-ovarian cancer, familial, susceptibility to, 2. Last evaluated: 2017-05-09. Review status: no assertion criteria provided. Collection method: clinical testing. Allele origin: unknown. Not counted in ClinVar's aggregate classification.

Sharing Clinical Reports Project (SCRP)
Classification: Pathogenic for Breast-ovarian cancer, familial 2. Last evaluated: 2011-03-24. Review status: no assertion criteria provided. Collection method: clinical testing. Allele origin: germline. Not counted in ClinVar's aggregate classification.

Breast Cancer Information Core (BIC) (BRCA2)
Classification: Pathogenic for Breast-ovarian cancer, familial 2. Last evaluated: 2003-12-23. Review status: no assertion criteria provided. Collection method: clinical testing. Allele origin: germline. Affected: yes. Observed: 2 variant alleles. Not counted in ClinVar's aggregate classification.

Department of Pathology and Laboratory Medicine, Sinai Health System
Classification: Pathogenic for Malignant tumor of breast. Review status: no assertion criteria provided. Collection method: clinical testing. Allele origin: unknown. Affected: yes. Study: The Canadian Open Genetics Repository (COGR). Not counted in ClinVar's aggregate classification.
Comment: The BRCA2 p.Asn986Lysfs*2 variant was identified in 1 of 612 proband chromosomes (frequency: 0.002) from individuals or families with pancreatic cancer (Holter 2015). The variant was also identified in dbSNP (ID: rs80359365) â€šÃ„ÃºWith Pathogenic alleleâ€šÃ„Ã¹, ClinVar (classified as pathogenic by ENIGMA expert panel, Invitae, GeneDx, Ambry Genetics, and 7 other submitters), LOVD 3.0 (2x classified as pathogenic), and UMD-LSDB (1x classified 5-causal). The variant was identified in control databases in 1 of 249782 chromosomes at a frequency of 0.000004 (Genome Aggregation Database Feb 27, 2017). The variant was observed in the African population in 1 of 15882 chromosomes (freq: 0.00006), while the variant was not observed in the Latino, Ashkenazi Jewish, East Asian, European (Finnish), European (non-Finnish), Other, or South Asian populations. The c.2957_2958insG variant is predicted to cause a frameshift, which alters the protein's amino acid sequence beginning at codon 986 and leads to a premature stop codon at position 987. This alteration is then predicted to result in a truncated or absent protein and loss of function. Loss of function variants of the BRCA2 gene are an established mechanism of disease in hereditary breast and ovarian cancer and is the type of variant expected to cause the disorder. In summary, based on the above information, this variant meets our laboratoryâ€šÃ„Ã´s criteria to be classified as pathogenic.

Literature cited by the submitters: PubMed 25072261 (cited by 4 submitters); PubMed 25940717 (cited by 7 submitters); PubMed 29446198 (cited by 3 submitters); PubMed 20104584 (cited by Labcorp Genetics (formerly Invitae), Labcorp); PubMed 26219728 (cited by Labcorp Genetics (formerly Invitae), Labcorp and Quest Diagnostics Nichols Institute San Juan Capistrano); PubMed 30130155 (cited by Quest Diagnostics Nichols Institute San Juan Capistrano); PubMed 32885271 (cited by Quest Diagnostics Nichols Institute San Juan Capistrano and Sema4); PubMed 32427313 (cited by Quest Diagnostics Nichols Institute San Juan Capistrano and Sema4); PubMed 25583207 (cited by Quest Diagnostics Nichols Institute San Juan Capistrano).